The following is an entry in ClinVar:

NM_006416.5(SLC35A1):c.1000G>A (p.Val334Ile)

Gene: SLC35A1 (solute carrier family 35 member A1; plus strand). Cytogenetic location: 6q15.
Variant type: single nucleotide variant.
Coding change: c.1000G>A on transcript NM_006416.5 (MANE Select); coding-DNA position 1000, G replaced by A.
Protein change: p.Val334Ile; replaces valine 334 with isoleucine.
Molecular consequence: missense variant.
Genome position (GRCh38, 1-based): chr6:87,511,512, G>A. VCF-style: chr6-87511512-G-A. GRCh37 (hg19) VCF-style: chr6-88221230-G-A.
Other names: c.823G>A, p.Val275Ile (NM_001168398.2); short protein forms V275I, V334I.
Identifiers: ClinVar variation 849369 (VCV000849369.9), dbSNP rs768492481, ClinGen allele CA3916127.

ClinVar aggregate classification (germline): Uncertain significance (1 of 4 stars; one submission).

Conditions:
SLC35A1-congenital disorder of glycosylation. Also called: CONGENITAL DISORDER OF GLYCOSYLATION, TYPE IIf; CDG IIf; SLC35A1-CDG. Identifiers: Orphanet 238459, MedGen C1970344, MONDO:0011342, OMIM 603585.

Allele frequency attached by ClinVar (database versions not stated): gnomAD 0.00001; ExAC 0.00002; gnomAD exomes 0.00002; TOPMed 0.00003.
gnomAD v4.1: 11 of 1,613,900 alleles (0.00068%); highest among the groups gnomAD compares: East Asian, 0.025%; no homozygotes.

Submission:

Labcorp Genetics (formerly Invitae), Labcorp
Classification: Uncertain significance for SLC35A1-congenital disorder of glycosylation. Last evaluated: 2022-10-24. Review status: criteria provided, single submitter. Criteria: Invitae Variant Classification Sherloc (09022015). Collection method: clinical testing. Allele origin: germline.
Comment: In summary, the available evidence is currently insufficient to determine the role of this variant in disease. Therefore, it has been classified as a Variant of Uncertain Significance. Algorithms developed to predict the effect of missense changes on protein structure and function output the following: SIFT: "Tolerated"; PolyPhen-2: "Benign"; Align-GVGD: "Class C0". The isoleucine amino acid residue is found in multiple mammalian species, which suggests that this missense change does not adversely affect protein function. ClinVar contains an entry for this variant (Variation ID: 849369). This variant has not been reported in the literature in individuals affected with SLC35A1-related conditions. This variant is present in population databases (rs768492481, gnomAD 0.03%). This sequence change replaces valine, which is neutral and non-polar, with isoleucine, which is neutral and non-polar, at codon 334 of the SLC35A1 protein (p.Val334Ile).